The following is an entry in ClinVar:

ClinVar aggregate classification (germline): Uncertain significance. Review status: criteria provided, multiple submitters, no conflicts (2 of 4 stars). 6 submissions from 6 submitters: Uncertain significance (6). Last evaluated 2026-03-02.

Conditions:
Pityriasis rubra pilaris (PRP). Also called: Pityriasis rubra pilaris--familial type. Identifiers: Orphanet 2897, MedGen C0032027, MONDO:0100017, OMIM 173200, MONDO:0008251.
Psoriasis 2. Identifiers: MedGen C1864497, MONDO:0011269, OMIM 602723.
CARD14-related disorder. Also called: CARD14-related condition.
Autoinflammatory syndrome. Identifiers: Orphanet 93665, MedGen C3890737, MONDO:0019751.

Allele frequency attached by ClinVar (database versions not stated): TOPMed 0.00025; ESP Exome Variant Server 0.00008; ExAC 0.00019; gnomAD 0.00022.

Submissions (7):

PreventionGenetics, part of Exact Sciences
Classification: Uncertain significance for CARD14-related condition. Last evaluated: 2026-03-02. Review status: criteria provided, single submitter. Criteria: ACMG Guidelines, 2015. Collection method: clinical testing. Allele origin: germline.
Comment: The CARD14 c.205C>T variant is predicted to result in the amino acid substitution p.Arg69Trp. This variant has been reported in individuals with classic plaque-type psoriasis vulgaris (PV) and psoriatic arthritis (PA) (Ammar et al. 2016. PubMed ID: 26358359). This variant has also been reported with uncertain significance, along with an uncertain variant in DNASE1, in an individual with recurrent aphthous stomatitis and candidal infections of the oropharynx and esophagus (Peng et al. 2023. PubMed ID: 37678716). An experimental study showed that this variant induced significantly less NF-kB activation than wild-type CARD14, however, this type of assay may not accurately represent biological function (Ammar et al. 2016. PubMed ID: 26358359). This variant is reported in 0.031% of alleles in individuals of Latino descent in gnomAD and is reported as uncertain in ClinVar (Variation ID: 662399). At this time, the clinical significance of this variant is uncertain due to the absence of conclusive functional and genetic evidence.

Labcorp Genetics (formerly Invitae), Labcorp
Classification: Uncertain significance for Pityriasis rubra pilaris; Psoriasis 2. Last evaluated: 2026-01-06. Review status: criteria provided, single submitter. Criteria: Invitae Variant Classification Sherloc (09022015). Collection method: clinical testing. Allele origin: germline.
Comment: This sequence change replaces arginine, which is basic and polar, with tryptophan, which is neutral and slightly polar, at codon 69 of the CARD14 protein (p.Arg69Trp). This variant is present in population databases (rs375624435, gnomAD 0.03%). This missense change has been observed in individual(s) with psoriasis vulgaris or psoriatic arthritis (PMID: 26358359). ClinVar contains an entry for this variant (Variation ID: 662399). Invitae Evidence Modeling of protein sequence and biophysical properties (such as structural, functional, and spatial information, amino acid conservation, physicochemical variation, residue mobility, and thermodynamic stability) has been performed for this missense variant. However, the output from this modeling did not meet the statistical confidence thresholds required to predict the impact of this variant on CARD14 protein function. Experimental studies are conflicting or provide insufficient evidence to determine the effect of this variant on CARD14 function (PMID: 26358359). In summary, the available evidence is currently insufficient to determine the role of this variant in disease. Therefore, it has been classified as a Variant of Uncertain Significance.

GeneDx
Classification: Uncertain significance. Last evaluated: 2024-07-16. Review status: criteria provided, single submitter. Criteria: GeneDx Variant Classification Process June 2021. Collection method: clinical testing. Allele origin: germline. Affected: yes.
Comment: In silico analysis supports that this missense variant has a deleterious effect on protein structure/function; Identified in patients with psoriasis vulgaris and psoriatic arthritis, but it is unknown whether these individuals were tested for variants in other genes associated with these conditions (PMID: 26358359); This variant is associated with the following publications: (PMID: 30319628, 26358359, 37678716, 30386326, 31325311, 28421071, 27939769)

Genome Diagnostics Laboratory, The Hospital for Sick Children
Classification: Uncertain significance for Autoinflammatory syndrome. Last evaluated: 2022-03-10. Review status: criteria provided, single submitter. Criteria: ACMG Guidelines, 2015. Collection method: clinical testing. Allele origin: germline. Affected: yes.

Laboratory for Molecular Medicine, Mass General Brigham Personalized Medicine
Classification: Uncertain significance. Last evaluated: 2018-04-12. Review status: criteria provided, single submitter. Criteria: LMM Criteria. Collection method: clinical testing. Allele origin: germline. Observed: 1 variant allele.
Comment: Variant classified as Uncertain Significance - Favor Pathogenic. The p.Arg69Trp variant in CARD14 has been reported in 5 individuals with psoriasis (Ammar 2016) and has been identified in 0.02% (28/171754) of general population chromosomes by the Genome Aggregation Database (gnomAD; db SNP rs375624435). Computational prediction tools and conservation analysis sugge st that the p.Arg69Trp variant may impact the protein, though this information i s not predictive enough to determine pathogenicity. Functional studies provide s ome evidence that the p.Arg69Trp variant may impact protein function (Ammar 2016 ). However, these types of assays may not accurately represent biological functi on. In summary, while there is some suspicion for a pathogenic role, the clinica l significance of the p.Arg69Trp variant is uncertain. ACMG/AMP Criteria applied : PP3; PS3_Supporting; PS4_Supporting

Breakthrough Genomics
Classification: Uncertain significance. Review status: criteria provided, single submitter. Criteria: ACMG Guidelines, 2015. Collection method: not provided. Allele origin: germline. Inheritance: Autosomal dominant inheritance. Affected: yes.

Dr. Peter K. Rogan Lab, Western University
No classification provided (evidence only). Condition: Ovarian serous cystadenocarcinoma. Review status: no classification provided. Collection method: in vitro. Allele origin: not applicable. Functional consequence: retained intron. Not counted in ClinVar's aggregate classification.

Literature cited by the submitters: PubMed 26358359 (cited by Labcorp Genetics (formerly Invitae), Labcorp and Laboratory for Molecular Medicine, Mass General Brigham Personalized Medicine).

NM_001366385.1(CARD14):c.205C>T (p.Arg69Trp)

Gene: CARD14 (caspase recruitment domain family member 14; plus strand). Cytogenetic location: 17q25.3.
Variant type: single nucleotide variant.
Coding change: c.205C>T on transcript NM_001366385.1 (MANE Select); coding-DNA position 205, C replaced by T.
Protein change: p.Arg69Trp; replaces arginine 69 with tryptophan.
Molecular consequence: missense variant. On other transcripts: non-coding transcript variant (1).
Genome position (GRCh38, 1-based): chr17:80,181,643, C>T. VCF-style: chr17-80181643-C-T. GRCh37 (hg19) VCF-style: chr17-78155442-C-T.
Other names: c.205C>T, p.Arg69Trp (NM_024110.4, NM_001257970.1); short protein forms R69W.
Identifiers: ClinVar variation 662399 (VCV000662399.23), dbSNP rs375624435, ClinGen allele CA8816345.